The following is an entry in ClinVar:

ClinVar aggregate classification (germline): Pathogenic (1 of 4 stars; one submission).

Conditions:
SON-related disorder. Also called: SON-related condition.

Submission:

PreventionGenetics, part of Exact Sciences
Classification: Pathogenic for SON-related condition. Last evaluated: 2023-09-05. Review status: criteria provided, single submitter. Criteria: ACMG Guidelines, 2015. Collection method: clinical testing. Allele origin: germline.
Comment: The SON c.2381delA variant is predicted to result in a frameshift and premature protein termination (p.Gln794Argfs*3). To our knowledge, this variant has not been reported in the literature or in a large population database, indicating this variant is rare. Frameshift variants in SON are expected to be pathogenic. This variant is interpreted as pathogenic.

NM_138927.4(SON):c.2381del (p.Gln794fs)

Gene: SON (SON DNA and RNA binding protein; plus strand). Cytogenetic location: 21q22.11.
Variant type: Deletion.
Coding change: c.2381del on transcript NM_138927.4 (MANE Select); coding-DNA position 2381, one base deleted (A; older notation c.2381delA).
Protein change: p.Gln794fs; shifts the reading frame from glutamine 794.
Molecular consequence: frameshift variant. On other transcripts: non-coding transcript variant (1), intron variant (1).
Genome position (GRCh38, 1-based): chr21:33,551,612, A deleted. VCF-style (leftmost placement, unchanged base first): chr21-33551611-CA-C. GRCh37 (hg19) VCF-style: chr21-34923917-CA-C.
Other names: c.2381del, p.Gln794fs (NM_001291411.2, NM_032195.3); c.2381delA, p.Gln794Argfs (NM_001412133.1, NM_058183.2, NM_138926.1); c.244+5233del (NM_001291412.3); short protein forms Q794fs.
Identifiers: ClinVar variation 2631292 (VCV002631292.1), dbSNP rs2517362747, ClinGen allele CA2695201435.